The following is an entry in ClinVar:

ClinVar aggregate classification (germline): Uncertain significance (1 of 4 stars; one submission).

Allele frequency attached by ClinVar (database versions not stated): ExAC 0.00001; gnomAD 0.00003; TOPMed 0.00003; ESP Exome Variant Server 0.00008; gnomAD exomes 0.00008.
gnomAD v4.1: 115 of 1,613,946 alleles (0.0071%); highest among the groups gnomAD compares: Non-Finnish European, 0.0095%; no homozygotes.

Submission:

Labcorp Genetics (formerly Invitae), Labcorp
Classification: Uncertain significance. Last evaluated: 2025-10-27. Review status: criteria provided, single submitter. Criteria: Invitae Variant Classification Sherloc (09022015). Collection method: clinical testing. Allele origin: germline.
Comment: This sequence change replaces proline, which is neutral and non-polar, with serine, which is neutral and polar, at codon 284 of the MTMR14 protein (p.Pro284Ser). This variant is present in population databases (rs372538745, gnomAD 0.007%). This variant has not been reported in the literature in individuals affected with MTMR14-related conditions. ClinVar contains an entry for this variant (Variation ID: 2059895). Invitae Evidence Modeling of protein sequence and biophysical properties (such as structural, functional, and spatial information, amino acid conservation, physicochemical variation, residue mobility, and thermodynamic stability) indicates that this missense variant is not expected to disrupt MTMR14 protein function with a negative predictive value of 80%. In summary, the available evidence is currently insufficient to determine the role of this variant in disease. Therefore, it has been classified as a Variant of Uncertain Significance.

NM_001077525.3(MTMR14):c.850C>T (p.Pro284Ser)

Gene: MTMR14 (myotubularin related protein 14; plus strand). Cytogenetic location: 3p25.3.
Variant type: single nucleotide variant.
Coding change: c.850C>T on transcript NM_001077525.3 (MANE Select); coding-DNA position 850, C replaced by T.
Protein change: p.Pro284Ser; replaces proline 284 with serine.
Molecular consequence: missense variant. On other transcripts: non-coding transcript variant (4), intron variant (12).
Genome position (GRCh38, 1-based): chr3:9,678,011, C>T. VCF-style: chr3-9678011-C-T. GRCh37 (hg19) VCF-style: chr3-9719695-C-T.
Other names: c.850C>T, p.Pro284Ser (NM_001077526.3, NM_022485.5); c.919C>T, p.Pro307Ser (NM_001400518.1, NM_001400521.1); c.847C>T, p.Pro283Ser (NM_001400519.1, NM_001400522.1); c.604C>T, p.Pro202Ser (NM_001400524.1, NM_001400527.1, NM_001400530.1); c.568C>T, p.Pro190Ser (NM_001400525.1, NM_001400529.1, NM_001400532.1); c.601C>T, p.Pro201Ser (NM_001400531.1); c.208C>T, p.Pro70Ser (NM_001400533.1, NM_001400534.1, NM_001400535.1 and 7 more transcripts); c.891+624C>T (NM_001400526.1); and 5 more; short protein forms P284S, P70S, P202S, P283S, P307S, P190S, P201S.
Identifiers: ClinVar variation 2059895 (VCV002059895.4), dbSNP rs372538745, ClinGen allele CA2240486.
Genomic context (GRCh38, chr3:9,678,011, plus strand): 5'-ACCCACATCTCACAGGAGTCTTTCTGTCCCCAGGACTACGTTGATGCCCCATTGAGCATC[C>T]CCGACTTCCTGACTCACTCTCTGAACATTGACTGGAGCCAGTATCAGGTGAGGGGCCTGA-3'
Protein context (NP_001070993.1, residues 274-294): QDYVDAPLSI[Pro284Ser]DFLTHSLNID